The following is an entry in ClinVar:

NM_022552.5(DNMT3A):c.177+7G>T

Gene: DNMT3A (DNA methyltransferase 3 alpha; minus strand). Cytogenetic location: 2p23.3.
Variant type: single nucleotide variant.
Coding change: c.177+7G>T on transcript NM_022552.5 (MANE Select); 7 bases into the intron after coding-DNA position 177, G replaced by T.
Molecular consequence: intron variant.
Genome position (GRCh38, 1-based): chr2:25,300,132, C>A on the plus strand (G>T on the coding strand, the complement: DNMT3A is on the minus strand). VCF-style: chr2-25300132-C-A. GRCh37 (hg19) VCF-style: chr2-25523001-C-A.
Other names: c.177+7G>T (NM_175629.2, NM_175630.1, NM_001320892.2).
Identifiers: ClinVar variation 3356362 (VCV003356362.1).

ClinVar aggregate classification (germline): Likely benign (0 of 4 stars; one submission).

Conditions:
DNMT3A-related disorder. Also called: DNMT3A-related disorders; DNMT3A-related condition.

Submission:

PreventionGenetics, part of Exact Sciences
Classification: Likely benign for DNMT3A-related condition. Last evaluated: 2024-06-26. Review status: no assertion criteria provided. Collection method: clinical testing. Allele origin: germline.
Comment: This variant is classified as likely benign based on ACMG/AMP sequence variant interpretation guidelines (Richards et al. 2015 PMID: 25741868, with internal and published modifications).